The following is an entry in ClinVar:

ClinVar aggregate classification (germline): Uncertain significance (1 of 4 stars; one submission).

Conditions:
MAP2K2-related disorder. Also called: MAP2K2-related condition.

Submission:

PreventionGenetics, part of Exact Sciences
Classification: Uncertain significance for MAP2K2-related condition. Last evaluated: 2025-08-28. Review status: criteria provided, single submitter. Criteria: ACMG Guidelines, 2015. Collection method: clinical testing. Allele origin: germline.
Comment: The MAP2K2 c.356T>C variant is predicted to result in the amino acid substitution p.Leu119Pro. To our knowledge, this variant has not been reported in the literature or in a large population database, indicating this variant is rare. At this time, the clinical significance of this variant is uncertain due to the absence of conclusive functional and genetic evidence.

NM_030662.4(MAP2K2):c.356T>C (p.Leu119Pro)

Gene: MAP2K2 (mitogen-activated protein kinase kinase 2; minus strand). Cytogenetic location: 19p13.3.
Variant type: single nucleotide variant.
Coding change: c.356T>C on transcript NM_030662.4 (MANE Select); coding-DNA position 356, T replaced by C.
Protein change: p.Leu119Pro; replaces leucine 119 with proline.
Molecular consequence: missense variant.
Genome position (GRCh38, 1-based): chr19:4,110,603, A>G on the plus strand (T>C on the coding strand, the complement: MAP2K2 is on the minus strand). VCF-style: chr19-4110603-A-G. GRCh37 (hg19) VCF-style: chr19-4110601-A-G.
Other names: short protein forms L119P.
Identifiers: ClinVar variation 2630781 (VCV002630781.2), dbSNP rs2145070084, ClinGen allele CA403391593.